The following is an entry in ClinVar:

ClinVar aggregate classification (germline): Uncertain significance. Review status: criteria provided, multiple submitters, no conflicts (2 of 4 stars). 2 submissions from 2 submitters: Uncertain significance (2). Last evaluated 2023-11-13.

Conditions:
Inborn genetic diseases. Identifiers: MedGen C0950123, MeSH D030342.
Brachyolmia-amelogenesis imperfecta syndrome. Also called: PLATYSPONDYLY WITH AMELOGENESIS IMPERFECTA; Tooth agenesis, selective, 6; Dental anomalies and short stature. Identifiers: Orphanet 2899, MedGen C1832594, MONDO:0011018, OMIM 601216. Disease mechanism: loss of function.

gnomAD v4.1: 3 of 1,547,270 alleles (0.00019%); highest among the groups gnomAD compares: Non-Finnish European, 0.00026%; no homozygotes.

Submissions (2):

Labcorp Genetics (formerly Invitae), Labcorp
Classification: Uncertain significance for Brachyolmia-amelogenesis imperfecta syndrome. Last evaluated: 2023-11-13. Review status: criteria provided, single submitter. Criteria: Invitae Variant Classification Sherloc (09022015). Collection method: clinical testing. Allele origin: germline.
Comment: This sequence change replaces proline, which is neutral and non-polar, with leucine, which is neutral and non-polar, at codon 1179 of the LTBP3 protein (p.Pro1179Leu). This variant is not present in population databases (gnomAD no frequency). This variant has not been reported in the literature in individuals affected with LTBP3-related conditions. ClinVar contains an entry for this variant (Variation ID: 1732402). An algorithm developed to predict the effect of missense changes on protein structure and function (PolyPhen-2) suggests that this variant is likely to be tolerated. In summary, the available evidence is currently insufficient to determine the role of this variant in disease. Therefore, it has been classified as a Variant of Uncertain Significance.

Ambry Genetics
Classification: Uncertain significance for Inborn genetic diseases. Last evaluated: 2021-11-09. Review status: criteria provided, single submitter. Criteria: Ambry Variant Classification Scheme 2023. Collection method: clinical testing. Allele origin: germline.
Comment: The p.P1179L variant (also known as c.3536C>T), located in coding exon 25 of the LTBP3 gene, results from a C to T substitution at nucleotide position 3536. The proline at codon 1179 is replaced by leucine, an amino acid with similar properties. This amino acid position is conserved. In addition, the in silico prediction for this alteration is inconclusive. Since supporting evidence is limited at this time, the clinical significance of this alteration remains unclear.

NM_001130144.3(LTBP3):c.3536C>T (p.Pro1179Leu)

Gene: LTBP3 (latent transforming growth factor beta binding protein 3; minus strand). Cytogenetic location: 11q13.1.
Variant type: single nucleotide variant.
Coding change: c.3536C>T on transcript NM_001130144.3 (MANE Select); coding-DNA position 3536, C replaced by T.
Protein change: p.Pro1179Leu; replaces proline 1179 with leucine.
Molecular consequence: missense variant.
Genome position (GRCh38, 1-based): chr11:65,539,731, G>A on the plus strand (C>T on the coding strand, the complement: LTBP3 is on the minus strand). VCF-style: chr11-65539731-G-A. GRCh37 (hg19) VCF-style: chr11-65307202-G-A.
Other names: c.3044C>T, p.Pro1015Leu (NM_001164266.1); c.3395C>T, p.Pro1132Leu (NM_021070.4); short protein forms P1179L, P1015L, P1132L.
Identifiers: ClinVar variation 1732402 (VCV001732402.5), dbSNP rs1855981980, ClinGen allele CA381266669.